The following is an entry in ClinVar:

NM_003846.3(PEX11B):c.92C>G (p.Ala31Gly)

Gene: PEX11B (peroxisomal biogenesis factor 11 beta; minus strand). Cytogenetic location: 1q21.1.
Variant type: single nucleotide variant.
Coding change: c.92C>G on transcript NM_003846.3 (MANE Select); coding-DNA position 92, C replaced by G.
Protein change: p.Ala31Gly; replaces alanine 31 with glycine.
Molecular consequence: missense variant. On other transcripts: non-coding transcript variant (3).
Genome position (GRCh38, 1-based): chr1:145,917,781, G>C on the plus strand (C>G on the coding strand, the complement: PEX11B is on the minus strand). VCF-style: chr1-145917781-G-C. GRCh37 (hg19) VCF-style: chr1-145517308-C-G.
Other names: c.50C>G, p.Ala17Gly (NM_001184795.1); short protein forms A17G, A31G.
Identifiers: ClinVar variation 965176 (VCV000965176.8), dbSNP rs782229863, ClinGen allele CA1055503.
Genomic context (GRCh38, chr1:145,917,781, plus strand): 5'-TGGCTCTCCAGTTGTCGAATCTGTTTCTGTAACTCAGGACTGGCTCCATGCCTCTGCAGC[G>C]CATGGCCAAGAAGAGAGCAAGCATACTGGGCGGCCCTAGAGGAGAGGGCAGGCAAGGTAA-3'
Protein context (NP_003837.1, residues 21-41): AQYACSLLGH[Ala31Gly]LQRHGASPEL

ClinVar aggregate classification (germline): Uncertain significance. Review status: criteria provided, multiple submitters, no conflicts (2 of 4 stars). 2 submissions from 2 submitters: Uncertain significance (2). Last evaluated 2026-06-30.

Conditions:
PEX11B-related disorder. Also called: PEX11B-related condition.

Allele frequency attached by ClinVar (database versions not stated): ExAC 0.00001; TOPMed 0.00006.
gnomAD v4.1: 4 of 1,613,372 alleles (0.00025%); highest among the groups gnomAD compares: Admixed American, 0.0067%; no homozygotes.

Submissions (2):

PreventionGenetics, part of Exact Sciences
Classification: Uncertain significance for PEX11B-related condition. Last evaluated: 2026-06-30. Review status: criteria provided, single submitter. Criteria: ACMG Guidelines, 2015. Collection method: clinical testing. Allele origin: germline.
Comment: The PEX11B c.92C>G variant is predicted to result in the amino acid substitution p.Ala31Gly. To our knowledge, this variant has not been reported in the literature. This variant is reported in 0.0087% of alleles in individuals of Latino descent in gnomAD. At this time, the clinical significance of this variant is uncertain due to the absence of conclusive functional and genetic evidence.

Labcorp Genetics (formerly Invitae), Labcorp
Classification: Uncertain significance. Last evaluated: 2024-02-26. Review status: criteria provided, single submitter. Criteria: Invitae Variant Classification Sherloc (09022015). Collection method: clinical testing. Allele origin: germline.
Comment: This sequence change replaces alanine, which is neutral and non-polar, with glycine, which is neutral and non-polar, at codon 31 of the PEX11B protein (p.Ala31Gly). This variant is present in population databases (rs782229863, gnomAD 0.006%). This variant has not been reported in the literature in individuals affected with PEX11B-related conditions. ClinVar contains an entry for this variant (Variation ID: 965176). An algorithm developed to predict the effect of missense changes on protein structure and function (PolyPhen-2) suggests that this variant is likely to be tolerated. In summary, the available evidence is currently insufficient to determine the role of this variant in disease. Therefore, it has been classified as a Variant of Uncertain Significance.